The following is an entry in ClinVar:

NM_001346249.2(RALGAPA1):c.598G>T (p.Asp200Tyr)

Gene: RALGAPA1 (Ral GTPase activating protein catalytic subunit alpha 1; minus strand). Cytogenetic location: 14q13.2.
Variant type: single nucleotide variant.
Coding change: c.598G>T on transcript NM_001346249.2 (MANE Select); coding-DNA position 598, G replaced by T.
Protein change: p.Asp200Tyr; replaces aspartic acid 200 with tyrosine.
Molecular consequence: missense variant.
Genome position (GRCh38, 1-based): chr14:35,756,858, C>A on the plus strand (G>T on the coding strand, the complement: RALGAPA1 is on the minus strand). VCF-style: chr14-35756858-C-A. GRCh37 (hg19) VCF-style: chr14-36226064-C-A.
Other names: c.598G>T, p.Asp200Tyr (NM_001283043.3, NM_001283044.3, NM_001330075.3 and 7 more transcripts); c.598G>T (NM_194301.2); short protein forms D200Y.
Identifiers: ClinVar variation 3384322 (VCV003384322.2).

ClinVar aggregate classification (germline): Uncertain significance. Review status: criteria provided, multiple submitters, no conflicts (2 of 4 stars). 2 submissions from 2 submitters: Uncertain significance (2). Last evaluated 2025-06-07.

Conditions:
Inborn genetic diseases. Identifiers: MedGen C0950123, MeSH D030342.

gnomAD v4.1: 1 of 1,611,472 alleles (0.000062%); highest among the groups gnomAD compares: Non-Finnish European, 0.000085%; no homozygotes.

Submissions (2):

Ambry Genetics
Classification: Uncertain significance for Inborn genetic diseases. Last evaluated: 2025-06-07. Review status: criteria provided, single submitter. Criteria: Ambry Variant Classification Scheme 2023. Collection method: clinical testing. Allele origin: germline.

GeneDx
Classification: Uncertain significance. Last evaluated: 2024-06-07. Review status: criteria provided, single submitter. Criteria: GeneDx Variant Classification Process June 2021. Collection method: clinical testing. Allele origin: germline. Affected: yes.
Comment: Not observed at significant frequency in large population cohorts (gnomAD); In silico analysis supports that this missense variant has a deleterious effect on protein structure/function; Has not been previously published as pathogenic or benign to our knowledge